The following is an entry in ClinVar:

NM_003719.5(PDE8B):c.1577-5C>T

Gene: PDE8B (phosphodiesterase 8B; plus strand). Cytogenetic location: 5q13.3.
Variant type: single nucleotide variant.
Coding change: c.1577-5C>T on transcript NM_003719.5 (MANE Select); 5 bases into the intron before coding-DNA position 1577, C replaced by T.
Molecular consequence: intron variant.
Genome position (GRCh38, 1-based): chr5:77,412,095, C>T. VCF-style: chr5-77412095-C-T. GRCh37 (hg19) VCF-style: chr5-76707920-C-T.
Other names: c.1205-5C>T (NM_001414622.1, NM_001414623.1, NM_001349753.2 and 2 more transcripts); c.1337-5C>T (NM_001349750.3); c.1193-5C>T (NM_001376069.1); c.1274-5C>T (NM_001376062.1, NM_001376072.1); c.1133-5C>T (NM_001376070.1); c.983-5C>T (NM_001376073.1); c.1271-5C>T (NM_001349752.3); c.1130-5C>T (NM_001376071.1); and 12 more.
Identifiers: ClinVar variation 3048094 (VCV003048094.2), dbSNP rs761553287, ClinGen allele CA3315315.

ClinVar aggregate classification (germline): Likely benign (0 of 4 stars; one submission).

Conditions:
PDE8B-related disorder. Also called: PDE8B-related condition.

Allele frequency attached by ClinVar (database versions not stated): ExAC 0.00001; gnomAD 0.00001; TOPMed 0.00001.
gnomAD v4.1: 14 of 1,613,808 alleles (0.00087%); highest among the groups gnomAD compares: Non-Finnish European, 0.0012%; no homozygotes.

Submission:

PreventionGenetics, part of Exact Sciences
Classification: Likely benign for PDE8B-related condition. Last evaluated: 2022-04-12. Review status: no assertion criteria provided. Collection method: clinical testing. Allele origin: germline.
Comment: This variant is classified as likely benign based on ACMG/AMP sequence variant interpretation guidelines (Richards et al. 2015 PMID: 25741868, with internal and published modifications).